The following is an entry in ClinVar:

NM_144773.4(PROKR2):c.458+1G>A

Gene: PROKR2 (prokineticin receptor 2; minus strand). Cytogenetic location: 20p12.3.
Variant type: single nucleotide variant.
Coding change: c.458+1G>A on transcript NM_144773.4 (MANE Select); the canonical splice donor site of the intron after coding-DNA position 458, G replaced by A.
Molecular consequence: splice donor variant.
Genome position (GRCh38, 1-based): chr20:5,313,911, C>T on the plus strand (G>A on the coding strand, the complement: PROKR2 is on the minus strand). VCF-style: chr20-5313911-C-T. GRCh37 (hg19) VCF-style: chr20-5294557-C-T.
Identifiers: ClinVar variation 279994 (VCV000279994.2), dbSNP rs886041307, ClinGen allele CA10603471.

ClinVar aggregate classification (germline): Pathogenic (1 of 4 stars; one submission).

Allele frequency attached by ClinVar (database versions not stated): gnomAD exomes below 0.00001; TOPMed below 0.00001.
gnomAD v4.1: 1 of 1,613,868 alleles (0.000062%); highest among the groups gnomAD compares: South Asian, 0.0011%; no homozygotes.

Submission:

GeneDx
Classification: Pathogenic. Last evaluated: 2015-11-09. Review status: criteria provided, single submitter. Criteria: GeneDx Variant Classification (06012015). Collection method: clinical testing. Allele origin: germline. Affected: yes.
Comment: The c.458+1 G>A splice site variant in the PROKR2 gene destroys the canonical splice donor site in intron 1. It was not observed in approximately 6,500 individuals of European and African American ancestry in the NHLBI Exome Sequencing Project, indicating it is not a common benign variant in these populations. This variant is predicted to cause abnormal gene splicing, either leading to an abnormal message that is subject to nonsense-mediated mRNA decay, or to an abnormal protein product if the message is used for protein translation. We interpret this variant as pathogenic.